The following is an entry in ClinVar:

ClinVar aggregate classification (germline): Uncertain significance (1 of 4 stars; one submission).

Conditions:
IFT140-related disorder. Also called: IFT140-related condition.

gnomAD v4.1: 1 of 1,613,722 alleles (0.000062%); highest among the groups gnomAD compares: African/African-American, 0.0013%; no homozygotes.

Submission:

PreventionGenetics, part of Exact Sciences
Classification: Uncertain significance for IFT140-related condition. Last evaluated: 2026-06-27. Review status: criteria provided, single submitter. Criteria: ACMG Guidelines, 2015. Collection method: clinical testing. Allele origin: germline.
Comment: The IFT140 c.866G>A variant is predicted to result in the amino acid substitution p.Ser289Asn. To our knowledge, this variant has not been reported in the literature or in a large population database (gnomAD), indicating this variant is rare. At this time, the clinical significance of this variant is uncertain due to the absence of conclusive functional and genetic evidence.

NM_014714.4(IFT140):c.866G>A (p.Ser289Asn)

Genes: IFT140 (intraflagellar transport 140; minus strand), LOC105371046 (uncharacterized LOC105371046; plus strand). Cytogenetic location: 16p13.3.
Variant type: single nucleotide variant.
Coding change: c.866G>A on transcript NM_014714.4 (MANE Select); coding-DNA position 866, G replaced by A.
Protein change: p.Ser289Asn; replaces serine 289 with asparagine.
Molecular consequence: missense variant.
Genome position (GRCh38, 1-based): chr16:1,587,969, C>T on the plus strand (G>A on the coding strand, the complement: IFT140 is on the minus strand). VCF-style: chr16-1587969-C-T. GRCh37 (hg19) VCF-style: chr16-1637970-C-T.
Other names: short protein forms S289N.
Identifiers: ClinVar variation 4982199 (VCV004982199.1).